The following is an entry in ClinVar:

NM_015164.4(PLEKHM2):c.1985C>T (p.Ser662Leu)

Gene: PLEKHM2 (pleckstrin homology and RUN domain containing M2; plus strand). Cytogenetic location: 1p36.21.
Variant type: single nucleotide variant.
Coding change: c.1985C>T on transcript NM_015164.4 (MANE Select); coding-DNA position 1985, C replaced by T.
Protein change: p.Ser662Leu; replaces serine 662 with leucine.
Molecular consequence: missense variant.
Genome position (GRCh38, 1-based): chr1:15,728,732, C>T. VCF-style: chr1-15728732-C-T. GRCh37 (hg19) VCF-style: chr1-16055227-C-T.
Other names: short protein forms S662L.
Identifiers: ClinVar variation 944741 (VCV000944741.11), dbSNP rs778617942, ClinGen allele CA617095.

ClinVar aggregate classification (germline): Uncertain significance. Review status: criteria provided, multiple submitters, no conflicts (2 of 4 stars). 3 submissions from 3 submitters: Uncertain significance (3). Last evaluated 2024-10-18.

Allele frequency attached by ClinVar (database versions not stated): gnomAD 0.00001; TOPMed 0.00001; gnomAD exomes 0.00005 and 0.00007; ExAC 0.00011.
gnomAD v4.1: 73 of 1,607,882 alleles (0.0045%); highest among the groups gnomAD compares: South Asian, 0.028%; no homozygotes.

Submissions (3):

Labcorp Genetics (formerly Invitae), Labcorp
Classification: Uncertain significance. Last evaluated: 2024-10-18. Review status: criteria provided, single submitter. Criteria: Invitae Variant Classification Sherloc (09022015). Collection method: clinical testing. Allele origin: germline.
Comment: This sequence change replaces serine, which is neutral and polar, with leucine, which is neutral and non-polar, at codon 662 of the PLEKHM2 protein (p.Ser662Leu). This variant is present in population databases (rs778617942, gnomAD 0.04%). This variant has not been reported in the literature in individuals affected with PLEKHM2-related conditions. ClinVar contains an entry for this variant (Variation ID: 944741). An algorithm developed to predict the effect of missense changes on protein structure and function (PolyPhen-2) suggests that this variant is likely to be tolerated. In summary, the available evidence is currently insufficient to determine the role of this variant in disease. Therefore, it has been classified as a Variant of Uncertain Significance.

Blueprint Genetics
Classification: Uncertain significance. Last evaluated: 2024-10-04. Review status: criteria provided, single submitter. Criteria: ACMG Guidelines, 2015. Collection method: clinical testing. Allele origin: germline.

Ambry Genetics
Classification: Uncertain significance. Last evaluated: 2021-10-12. Review status: criteria provided, single submitter. Criteria: Ambry Variant Classification Scheme 2023. Collection method: clinical testing. Allele origin: germline.